The following is an entry in ClinVar:

ClinVar aggregate classification (germline): Benign/Likely benign. Review status: criteria provided, multiple submitters, no conflicts (2 of 4 stars). 3 submissions from 3 submitters: Benign (1); Likely benign (1). 1 of the submissions does not count toward it. Last evaluated 2026-01-27.

Conditions:
SLC10A7-related disorder. Also called: SLC10A7-related condition.

Allele frequency attached by ClinVar (database versions not stated): gnomAD exomes 0.00037 and 0.00095; ExAC 0.00127; gnomAD 0.00401 and 0.00433; ESP Exome Variant Server 0.00415; 1000 Genomes Project 0.00439; TOPMed 0.00442; 1000 Genomes Project 30x 0.00500.
gnomAD v4.1: 1,183 of 1,607,556 alleles (0.074%); highest among the groups gnomAD compares: African/African-American, 1.4%; 6 homozygotes.

Submissions (3):

Labcorp Genetics (formerly Invitae), Labcorp
Classification: Benign. Last evaluated: 2026-01-27. Review status: criteria provided, single submitter. Criteria: Invitae Variant Classification Sherloc (09022015). Collection method: clinical testing. Allele origin: germline.

Blueprint Genetics
Classification: Likely benign. Last evaluated: 2024-11-13. Review status: criteria provided, single submitter. Criteria: ACMG Guidelines, 2015. Collection method: clinical testing. Allele origin: germline.

PreventionGenetics, part of Exact Sciences
Classification: Benign for SLC10A7-related condition. Last evaluated: 2019-03-25. Review status: no assertion criteria provided. Collection method: clinical testing. Allele origin: germline. Not counted in ClinVar's aggregate classification.
Comment: This variant is classified as benign based on ACMG/AMP sequence variant interpretation guidelines (Richards et al. 2015 PMID: 25741868, with internal and published modifications).

NM_001029998.6(SLC10A7):c.162T>C (p.Ser54=)

Gene: SLC10A7 (solute carrier family 10 member 7; minus strand). Cytogenetic location: 4q31.22.
Variant type: single nucleotide variant.
Coding change: c.162T>C on transcript NM_001029998.6 (MANE Select); coding-DNA position 162, T replaced by C.
Protein change: p.Ser54=; no amino-acid change (serine 54 retained).
Molecular consequence: synonymous variant. On other transcripts: non-coding transcript variant (1).
Genome position (GRCh38, 1-based): chr4:146,517,059, A>G on the plus strand (T>C on the coding strand, the complement: SLC10A7 is on the minus strand). VCF-style: chr4-146517059-A-G. GRCh37 (hg19) VCF-style: chr4-147438211-A-G.
Other names: c.162T>C, p.Ser54= (NM_001300842.3, NM_001317816.2, NM_001317817.2 and 2 more transcripts); c.162T>C (NM_001300842.2).
Identifiers: ClinVar variation 1634711 (VCV001634711.11), dbSNP rs139872057, ClinGen allele CA3096917.